The following is an entry in ClinVar:

ClinVar aggregate classification (germline): Uncertain significance (1 of 4 stars; one submission).

Conditions:
Medulloblastoma (MDB). Also called: Medulloblastoma, somatic; MEDULLOBLASTOMA PREDISPOSITION SYNDROME. Identifiers: Orphanet 616, MedGen C0025149, MeSH D008527, MONDO:0007959, OMIM 155255, HP:0002885.
Gorlin syndrome. Also called: Basal cell nevus syndrome; Nevoid Basal Cell Carcinoma Syndrome. Identifiers: Orphanet 377, MedGen C0004779, MONDO:0007187.

Submission:

Labcorp Genetics (formerly Invitae), Labcorp
Classification: Uncertain significance for Gorlin syndrome; Medulloblastoma. Last evaluated: 2022-01-02. Review status: criteria provided, single submitter. Criteria: Invitae Variant Classification Sherloc (09022015). Collection method: clinical testing. Allele origin: germline.
Comment: This sequence change replaces glutamic acid, which is acidic and polar, with aspartic acid, which is acidic and polar, at codon 206 of the SUFU protein (p.Glu206Asp). This variant is not present in population databases (gnomAD no frequency). This variant has not been reported in the literature in individuals affected with SUFU-related conditions. Algorithms developed to predict the effect of missense changes on protein structure and function are either unavailable or do not agree on the potential impact of this missense change (SIFT: "Tolerated"; PolyPhen-2: "Possibly Damaging"; Align-GVGD: "Class C0"). In summary, the available evidence is currently insufficient to determine the role of this variant in disease. Therefore, it has been classified as a Variant of Uncertain Significance.

NM_016169.4(SUFU):c.618A>C (p.Glu206Asp)

Gene: SUFU (SUFU negative regulator of hedgehog signaling; plus strand). Cytogenetic location: 10q24.32.
Variant type: single nucleotide variant.
Coding change: c.618A>C on transcript NM_016169.4 (MANE Select); coding-DNA position 618, A replaced by C.
Protein change: p.Glu206Asp; replaces glutamic acid 206 with aspartic acid.
Molecular consequence: missense variant.
Genome position (GRCh38, 1-based): chr10:102,593,656, A>C. VCF-style: chr10-102593656-A-C. GRCh37 (hg19) VCF-style: chr10-104353413-A-C.
Other names: c.618A>C, p.Glu206Asp (NM_001178133.2); short protein forms E206D.
Identifiers: ClinVar variation 2070927 (VCV002070927.4), dbSNP rs2545084620, ClinGen allele CA377909424.
Genomic context (GRCh38, chr10:102,593,656, plus strand): 5'-GGCCATTAACACACAATGGGCTTTCTATCCTGGGCCTCAGATCGTTGGTGTCTGCACTGA[A>C]GAGCTACACTCAGCCCAGCAGTGGAACGGGCAGGGCATCCTGGAGCTGCTGCGGACAGTG-3'
Protein context (NP_057253.2, residues 196-216): TFLQIVGVCT[Glu206Asp]ELHSAQQWNG